The following is an entry in ClinVar:

ClinVar aggregate classification (germline): Uncertain significance (1 of 4 stars; one submission).

Conditions:
Primary ciliary dyskinesia. Also called: Ciliary dyskinesia. Identifiers: Orphanet 244, MedGen C0008780, MONDO:0016575, HP:0012265.

Allele frequency attached by ClinVar (database versions not stated): TOPMed 0.00003.
gnomAD v4.1: 14 of 1,614,006 alleles (0.00087%); highest among the groups gnomAD compares: African/African-American, 0.004%; no homozygotes.

Submission:

Labcorp Genetics (formerly Invitae), Labcorp
Classification: Uncertain significance for Primary ciliary dyskinesia. Last evaluated: 2021-08-28. Review status: criteria provided, single submitter. Criteria: Invitae Variant Classification Sherloc (09022015). Collection method: clinical testing. Allele origin: germline.
Comment: This sequence change replaces alanine with valine at codon 2295 of the DNAH5 protein (p.Ala2295Val). The alanine residue is highly conserved and there is a small physicochemical difference between alanine and valine. This variant is present in population databases (rs368441809, ExAC 0.009%). This variant has not been reported in the literature in individuals affected with DNAH5-related conditions. Algorithms developed to predict the effect of missense changes on protein structure and function are either unavailable or do not agree on the potential impact of this missense change (SIFT: "Deleterious"; PolyPhen-2: "Possibly Damaging"; Align-GVGD: "Class C0"). In summary, the available evidence is currently insufficient to determine the role of this variant in disease. Therefore, it has been classified as a Variant of Uncertain Significance.

NM_001369.3(DNAH5):c.6884C>T (p.Ala2295Val)

Gene: DNAH5 (dynein axonemal heavy chain 5; minus strand). Cytogenetic location: 5p15.2.
Variant type: single nucleotide variant.
Coding change: c.6884C>T on transcript NM_001369.3 (MANE Select); coding-DNA position 6884, C replaced by T.
Protein change: p.Ala2295Val; replaces alanine 2295 with valine.
Molecular consequence: missense variant.
Genome position (GRCh38, 1-based): chr5:13,817,652, G>A on the plus strand (C>T on the coding strand, the complement: DNAH5 is on the minus strand). VCF-style: chr5-13817652-G-A. GRCh37 (hg19) VCF-style: chr5-13817761-G-A.
Other names: short protein forms A2295V.
Identifiers: ClinVar variation 937957 (VCV000937957.3), dbSNP rs368441809, ClinGen allele CA3203246.